The following is an entry in ClinVar:

ClinVar aggregate classification (germline): Uncertain significance (1 of 4 stars; one submission).

Submission:

Ambry Genetics
Classification: Uncertain significance. Last evaluated: 2025-11-27. Review status: criteria provided, single submitter. Criteria: Ambry Variant Classification Scheme 2023. Collection method: clinical testing. Allele origin: germline.
Comment: The p.G531A variant (also known as c.1592G>C), located in coding exon 12 of the RECQL gene, results from a G to C substitution at nucleotide position 1592. The glycine at codon 531 is replaced by alanine, an amino acid with similar properties. This amino acid position is conserved. In addition, this alteration is predicted to be tolerated by in silico analysis. Based on the available evidence, the clinical significance of this variant remains unclear.

NM_002907.4(RECQL):c.1592G>C (p.Gly531Ala)

Gene: RECQL (RecQ like helicase; minus strand). Cytogenetic location: 12p12.1.
Variant type: single nucleotide variant.
Coding change: c.1592G>C on transcript NM_002907.4 (MANE Select); coding-DNA position 1592, G replaced by C.
Protein change: p.Gly531Ala; replaces glycine 531 with alanine.
Molecular consequence: missense variant.
Genome position (GRCh38, 1-based): chr12:21,471,503, C>G on the plus strand (G>C on the coding strand, the complement: RECQL is on the minus strand). VCF-style: chr12-21471503-C-G. GRCh37 (hg19) VCF-style: chr12-21624437-C-G.
Other names: c.1592G>C, p.Gly531Ala (NM_032941.3); short protein forms G531A.
Identifiers: ClinVar variation 4576957 (VCV004576957.1).